The following is an entry in ClinVar:

NM_000528.4(MAN2B1):c.135C>T (p.Ala45=)

Gene: MAN2B1 (mannosidase alpha class 2B member 1; minus strand). Cytogenetic location: 19p13.13.
Variant type: single nucleotide variant.
Coding change: c.135C>T on transcript NM_000528.4 (MANE Select); coding-DNA position 135, C replaced by T.
Protein change: p.Ala45=; no amino-acid change (alanine 45 retained).
Molecular consequence: synonymous variant.
Genome position (GRCh38, 1-based): chr19:12,666,567, G>A on the plus strand (C>T on the coding strand, the complement: MAN2B1 is on the minus strand). VCF-style: chr19-12666567-G-A. GRCh37 (hg19) VCF-style: chr19-12777381-G-A.
Other names: c.135C>T, p.Ala45= (NM_001173498.2).
Identifiers: ClinVar variation 328283 (VCV000328283.18), dbSNP rs200413076, ClinGen allele CA9226907.

ClinVar aggregate classification (germline): Benign/Likely benign. Review status: criteria provided, multiple submitters, no conflicts (2 of 4 stars). 5 submissions from 5 submitters: Benign (4); Likely benign (1). Last evaluated 2026-02-04.

Conditions:
Deficiency of alpha-mannosidase (MANSA). Also called: Mannosidosis, alpha-, types I and II; LYSOSOMAL ALPHA-D-MANNOSIDASE DEFICIENCY; Alpha-Mannosidosis. Identifiers: Orphanet 61, MedGen C0024748, MONDO:0009561, OMIM 248500.
MAN2B1-related disorder. Also called: MAN2B1-related condition.

Allele frequency attached by ClinVar (database versions not stated): gnomAD 0.00041 and 0.00066; gnomAD exomes 0.00049 and 0.00138; TOPMed 0.00103; ExAC 0.00309; 1000 Genomes Project 0.00319; 1000 Genomes Project 30x 0.00328.
gnomAD v4.1: 826 of 1,586,038 alleles (0.052%); highest among the groups gnomAD compares: East Asian, 1.5%; 11 homozygotes.

Submissions (5):

Labcorp Genetics (formerly Invitae), Labcorp
Classification: Benign for Deficiency of alpha-mannosidase. Last evaluated: 2026-02-04. Review status: criteria provided, single submitter. Criteria: Invitae Variant Classification Sherloc (09022015). Collection method: clinical testing. Allele origin: germline.

PreventionGenetics, part of Exact Sciences
Classification: Benign for MAN2B1-related condition. Last evaluated: 2024-11-18. Review status: criteria provided, single submitter. Criteria: ACMG Guidelines, 2015. Collection method: clinical testing. Allele origin: germline.
Comment: This variant is classified as benign based on ACMG/AMP sequence variant interpretation guidelines (Richards et al. 2015 PMID: 25741868, with internal and published modifications).

Fulgent Genetics
Classification: Likely benign for Deficiency of alpha-mannosidase. Last evaluated: 2022-02-25. Review status: criteria provided, single submitter. Criteria: ACMG Guidelines, 2015. Collection method: clinical testing. Allele origin: unknown.

Illumina Laboratory Services, Illumina
Classification: Benign for Deficiency of alpha-mannosidase. Last evaluated: 2018-01-12. Review status: criteria provided, single submitter. Criteria: ICSL Variant Classification Criteria 13 December 2019. Collection method: clinical testing. Allele origin: germline.
Comment: This variant was observed in the ICSL laboratory as part of a predisposition screen in an ostensibly healthy population. It had not been previously curated by ICSL or reported in the Human Gene Mutation Database (HGMD: prior to June 1st, 2018), and was therefore a candidate for classification through an automated scoring system. Utilizing variant allele frequency, disease prevalence and penetrance estimates, and inheritance mode, an automated score was calculated to assess if this variant is too frequent to cause the disease. Based on the score and internal cut-off values, a variant classified as benign is not then subjected to further curation. The score for this variant resulted in a classification of benign for this disease.

Breakthrough Genomics
Classification: Benign. Review status: criteria provided, single submitter. Criteria: ACMG Guidelines, 2015. Collection method: not provided. Allele origin: germline. Inheritance: Autosomal recessive inheritance. Affected: yes.